The following is an entry in ClinVar:

NM_016239.4(MYO15A):c.2447G>A (p.Arg816Gln)

Gene: MYO15A (myosin XVA; plus strand). Cytogenetic location: 17p11.2.
Variant type: single nucleotide variant.
Coding change: c.2447G>A on transcript NM_016239.4 (MANE Select); coding-DNA position 2447, G replaced by A.
Protein change: p.Arg816Gln; replaces arginine 816 with glutamine.
Molecular consequence: missense variant.
Genome position (GRCh38, 1-based): chr17:18,121,247, G>A. VCF-style: chr17-18121247-G-A. GRCh37 (hg19) VCF-style: chr17-18024561-G-A.
Other names: short protein forms R816Q.
Identifiers: ClinVar variation 4852822 (VCV004852822.1).

ClinVar aggregate classification (germline): Uncertain significance (1 of 4 stars; one submission).

Conditions:
Autosomal recessive nonsyndromic hearing loss 3. Also called: NEUROSENSORY NONSYNDROMIC RECESSIVE DEAFNESS 3. Identifiers: Orphanet 90636, MedGen C1838263, MONDO:0010860, OMIM 600316.

gnomAD v4.1: 22 of 1,471,488 alleles (0.0015%); highest among the groups gnomAD compares: South Asian, 0.0025%; no homozygotes.

Submission:

Laboratory of Molecular, Cellular and Translation Genetics in Otolaryngology/ Lim32-hcfmusp, University of Sao Paulo School of Medicine Clinics Hospital
Classification: Uncertain significance for Autosomal recessive nonsyndromic hearing loss 3. Last evaluated: 2026-04-30. Review status: criteria provided, single submitter. Criteria: ClinGen HL ACMG Specifications v1. Collection method: research. Allele origin: germline. Affected: yes.
Comment: NM_016239.4:c.2447G>A :p.(Arg816Gln). This variant has been classified as a variant of uncertain significance (VUS). It is absent from population databases (PM2), and in silico prediction tools provide inconclusive evidence regarding its impact on protein function. These findings are insufficient to support a definitive role in autosomal recessive hearing loss.

Literature cited by the submitters: PubMed 42233699.